The following is an entry in ClinVar:

NM_020937.4(FANCM):c.1581+1G>A

Gene: FANCM (FA complementation group M; plus strand). Cytogenetic location: 14q21.2.
Variant type: single nucleotide variant.
Coding change: c.1581+1G>A on transcript NM_020937.4 (MANE Select); the canonical splice donor site of the intron after coding-DNA position 1581, G replaced by A.
Molecular consequence: splice donor variant.
Genome position (GRCh38, 1-based): chr14:45,159,281, G>A. VCF-style: chr14-45159281-G-A. GRCh37 (hg19) VCF-style: chr14-45628484-G-A.
Other names: c.1503+1G>A (NM_001308133.2); c.1581+1G>A (NM_001308134.2).
Identifiers: ClinVar variation 1467333 (VCV001467333.7), dbSNP rs373430198, ClinGen allele CA7169088.

ClinVar aggregate classification (germline): Likely pathogenic. Review status: criteria provided, multiple submitters, no conflicts (2 of 4 stars). 2 submissions from 2 submitters: Likely pathogenic (2). Last evaluated 2025-12-18.

Conditions:
Fanconi anemia (FA). Also called: Fanconi's anemia. Identifiers: Orphanet 84, MedGen C0015625, MeSH D005199, MONDO:0019391.

Allele frequency attached by ClinVar (database versions not stated): TOPMed below 0.00001; ExAC 0.00001; gnomAD exomes 0.00001; ESP Exome Variant Server 0.00008.
gnomAD v4.1: 16 of 1,608,390 alleles (0.00099%); highest among the groups gnomAD compares: Non-Finnish European, 0.0014%; no homozygotes.

Submissions (2):

Labcorp Genetics (formerly Invitae), Labcorp
Classification: Likely pathogenic for Fanconi anemia. Last evaluated: 2025-12-18. Review status: criteria provided, single submitter. Criteria: Invitae Variant Classification Sherloc (09022015). Collection method: clinical testing. Allele origin: germline.
Comment: This sequence change affects a donor splice site in intron 9 of the FANCM gene. It is expected to disrupt RNA splicing. Variants that disrupt the donor or acceptor splice site typically lead to a loss of protein function (PMID: 16199547), and loss-of-function variants in FANCM are known to be pathogenic (PMID: 29895858, 30075111). The frequency data for this variant in the population databases is considered unreliable, as metrics indicate poor data quality at this position in the gnomAD database. Disruption of this splice site has been observed in individual(s) with myelodysplastic syndrome with non-melanoma skin cancer and/or ovarian cancer (PMID: 28881617, 37608704). ClinVar contains an entry for this variant (Variation ID: 1467333). Algorithms developed to predict the effect of sequence changes on RNA splicing suggest that this variant may disrupt the consensus splice site. In summary, the currently available evidence indicates that the variant is pathogenic, but additional data are needed to prove that conclusively. Therefore, this variant has been classified as Likely Pathogenic.

GeneDx
Classification: Likely pathogenic. Last evaluated: 2023-03-09. Review status: criteria provided, single submitter. Criteria: GeneDx Variant Classification Process June 2021. Collection method: clinical testing. Allele origin: germline. Affected: yes.
Comment: Canonical splice site variant predicted to result in a null allele in a gene for which loss of function is a known mechanism of disease; Not observed at significant frequency in large population cohorts (gnomAD); Identified in an individual with ovarian cancer (Dicks et al., 2017); This variant is associated with the following publications: (PMID: 28881617)

Literature cited by the submitters: PubMed 16199547 (cited by Labcorp Genetics (formerly Invitae), Labcorp); PubMed 29895858 (cited by Labcorp Genetics (formerly Invitae), Labcorp); PubMed 30075111 (cited by Labcorp Genetics (formerly Invitae), Labcorp); PubMed 28881617 (cited by Labcorp Genetics (formerly Invitae), Labcorp); PubMed 37608704 (cited by Labcorp Genetics (formerly Invitae), Labcorp).